The following is an entry in ClinVar:

ClinVar aggregate classification (germline): Benign (1 of 4 stars; one submission).

Allele frequency attached by ClinVar (database versions not stated): gnomAD 0.07964 and 0.12149; 1000 Genomes Project 0.52376.

Submission:

GeneDx
Classification: Benign. Last evaluated: 2018-06-16. Review status: criteria provided, single submitter. Criteria: GeneDx Variant Classification (06012015). Collection method: clinical testing. Allele origin: germline. Affected: yes.
Comment: This variant is considered likely benign or benign based on one or more of the following criteria: it is a conservative change, it occurs at a poorly conserved position in the protein, it is predicted to be benign by multiple in silico algorithms, and/or has population frequency not consistent with disease.

NM_006031.6(PCNT):c.6150+147C>T

Gene: PCNT (pericentrin; plus strand). Cytogenetic location: 21q22.3.
Variant type: single nucleotide variant.
Coding change: c.6150+147C>T on transcript NM_006031.6 (MANE Select); 147 bases into the intron after coding-DNA position 6150, C replaced by T.
Molecular consequence: intron variant.
Genome position (GRCh38, 1-based): chr21:46,413,139, C>T. VCF-style: chr21-46413139-C-T. GRCh37 (hg19) VCF-style: chr21-47833053-C-T.
Other names: c.5796+147C>T (NM_001315529.2).
Identifiers: ClinVar variation 675953 (VCV000675953.1), dbSNP rs4516528, ClinGen allele CA321998548.